The following is an entry in ClinVar:

ClinVar aggregate classification (germline): Uncertain significance. Review status: criteria provided, multiple submitters, no conflicts (2 of 4 stars). 2 submissions from 2 submitters: Uncertain significance (2). Last evaluated 2025-05-12.

Submissions (2):

Labcorp Genetics (formerly Invitae), Labcorp
Classification: Uncertain significance. Last evaluated: 2025-05-12. Review status: criteria provided, single submitter. Criteria: Invitae Variant Classification Sherloc (09022015). Collection method: clinical testing. Allele origin: germline.
Comment: This sequence change replaces alanine, which is neutral and non-polar, with threonine, which is neutral and polar, at codon 876 of the RBP3 protein (p.Ala876Thr). This variant is present in population databases (rs138240045, gnomAD 0.002%). This variant has not been reported in the literature in individuals affected with RBP3-related conditions. ClinVar contains an entry for this variant (Variation ID: 2071002). Invitae Evidence Modeling of protein sequence and biophysical properties (such as structural, functional, and spatial information, amino acid conservation, physicochemical variation, residue mobility, and thermodynamic stability) indicates that this missense variant is not expected to disrupt RBP3 protein function with a negative predictive value of 80%. In summary, the available evidence is currently insufficient to determine the role of this variant in disease. Therefore, it has been classified as a Variant of Uncertain Significance.

Blueprint Genetics
Classification: Uncertain significance. Last evaluated: 2024-10-24. Review status: criteria provided, single submitter. Criteria: ACMG Guidelines, 2015. Collection method: clinical testing. Allele origin: germline.

NM_002900.3(RBP3):c.2626G>A (p.Ala876Thr)

Gene: RBP3 (retinol binding protein 3; plus strand). Cytogenetic location: 10q11.22.
Variant type: single nucleotide variant.
Coding change: c.2626G>A on transcript NM_002900.3 (MANE Select); coding-DNA position 2626, G replaced by A.
Protein change: p.Ala876Thr; replaces alanine 876 with threonine.
Molecular consequence: missense variant.
Genome position (GRCh38, 1-based): chr10:47,351,110, G>A. VCF-style: chr10-47351110-G-A. GRCh37 (hg19) VCF-style: chr10-48388252-C-T.
Other names: short protein forms A876T.
Identifiers: ClinVar variation 2071002 (VCV002071002.4), dbSNP rs138240045, ClinGen allele CA5487230.
Genomic context (GRCh38, chr10:47,351,110, plus strand): 5'-GCACACACCATGCAGGACCTGCAGCGGGCCACGGTCATTGGGGAGCCCACGGCCGGAGGC[G>A]CACTCTCTGTGGGCATCTACCAGGTGGGCAGCAGCCCCTTATATGCATCCATGCCCACCC-3'
Protein context (NP_002891.1, residues 866-886): TVIGEPTAGG[Ala876Thr]LSVGIYQVGS